The following is an entry in ClinVar:

NM_004360.5(CDH1):c.1566-6G>A

Gene: CDH1 (cadherin 1; plus strand). Cytogenetic location: 16q22.1.
Variant type: single nucleotide variant.
Coding change: c.1566-6G>A on transcript NM_004360.5 (MANE Select); 6 bases into the intron before coding-DNA position 1566, G replaced by A.
Molecular consequence: intron variant.
Genome position (GRCh38, 1-based): chr16:68,819,274, G>A. VCF-style: chr16-68819274-G-A. GRCh37 (hg19) VCF-style: chr16-68853177-G-A.
Other names: c.1566-6G>A (LRG_301t1); c.18-6G>A (NM_001317185.2); c.-254-2727G>A (NM_001317186.2); c.1383-6G>A (NM_001317184.2).
Identifiers: ClinVar variation 220600 (VCV000220600.19), dbSNP rs771635021, ClinGen allele CA350864.

ClinVar aggregate classification (germline): Likely benign. Review status: criteria provided, multiple submitters, no conflicts (2 of 4 stars). 4 submissions from 4 submitters: Likely benign (4). Last evaluated 2025-11-16.

Conditions:
Hereditary diffuse gastric adenocarcinoma (HDGC). Also called: DIFFUSE GASTRIC AND LOBULAR BREAST CANCER SYNDROME. Identifiers: Orphanet 26106, MedGen C1708349, MONDO:0007648, OMIM 137215.
Ovarian cancer. Also called: OVARIAN CANCER, SOMATIC. Identifiers: Orphanet 213500, MedGen C1140680, MONDO:0008170, OMIM 167000.
Familial cancer of breast. Also called: hereditary breast carcinoma; Hereditary breast cancer; BREAST CANCER, FAMILIAL. Identifiers: Orphanet 227535, MedGen C0346153, MONDO:0016419, OMIM 114480. Disease mechanism: loss of function.
Blepharocheilodontic syndrome 1 (BCDS1). Identifiers: Orphanet 1997, MedGen C4551988, MONDO:0054740, OMIM 119580.
Endometrial carcinoma. Also called: Endometrial carcinoma, somatic. Identifiers: MedGen C0476089, MONDO:0002447, OMIM 608089, HP:0012114.
Hereditary cancer-predisposing syndrome. Also called: Tumor predisposition; Hereditary neoplastic syndrome; Neoplastic Syndromes, Hereditary; Hereditary Cancer Syndrome. Identifiers: Orphanet 140162, MedGen C0027672, MeSH D009386, MONDO:0015356.

Allele frequency attached by ClinVar (database versions not stated): gnomAD exomes below 0.00001; ExAC 0.00001; gnomAD 0.00001; TOPMed 0.00001.
gnomAD v4.1: 4 of 1,614,078 alleles (0.00025%); highest among the groups gnomAD compares: East Asian, 0.0045%; no homozygotes.

Submissions (4):

Labcorp Genetics (formerly Invitae), Labcorp
Classification: Likely benign for Hereditary diffuse gastric adenocarcinoma. Last evaluated: 2025-11-16. Review status: criteria provided, single submitter. Criteria: Invitae Variant Classification Sherloc (09022015). Collection method: clinical testing. Allele origin: germline.

Myriad Genetics, Inc.
Classification: Likely benign for Hereditary diffuse gastric adenocarcinoma. Last evaluated: 2024-09-19. Review status: criteria provided, single submitter. Criteria: Myriad Autosomal Dominant, Autosomal Recessive and X-Linked Classification Criteria (2023). Collection method: clinical testing. Allele origin: unknown.
Comment: This variant is considered likely benign. This variant is intronic and is not expected to impact mRNA splicing.

Color Diagnostics, LLC DBA Color Health
Classification: Likely benign for Hereditary cancer-predisposing syndrome. Last evaluated: 2023-02-17. Review status: criteria provided, single submitter. Criteria: ACMG Guidelines, 2015. Collection method: clinical testing. Allele origin: germline.

Department of Pathology and Laboratory Medicine, Sinai Health System
Classification: Likely benign for Familial cancer of breast; Blepharocheilodontic syndrome 1; Hereditary diffuse gastric adenocarcinoma; Ovarian cancer; Endometrial carcinoma. Last evaluated: 2019-11-27. Review status: criteria provided, single submitter. Criteria: ACMG Guidelines, 2015. Collection method: clinical testing. Allele origin: germline. Affected: no.